The following is an entry in ClinVar:

NM_001567.4(INPPL1):c.1048C>T (p.Arg350Trp)

Gene: INPPL1 (inositol polyphosphate phosphatase like 1; plus strand). Cytogenetic location: 11q13.4.
Variant type: single nucleotide variant.
Coding change: c.1048C>T on transcript NM_001567.4 (MANE Select); coding-DNA position 1048, C replaced by T.
Protein change: p.Arg350Trp; replaces arginine 350 with tryptophan.
Molecular consequence: missense variant.
Genome position (GRCh38, 1-based): chr11:72,230,229, C>T. VCF-style: chr11-72230229-C-T. GRCh37 (hg19) VCF-style: chr11-71941273-C-T.
Other names: short protein forms R350W.
Identifiers: ClinVar variation 2523111 (VCV002523111.3), dbSNP rs753375974, ClinGen allele CA6169872.

ClinVar aggregate classification (germline): Uncertain significance. Review status: criteria provided, multiple submitters, no conflicts (2 of 4 stars). 2 submissions from 2 submitters: Uncertain significance (2). Last evaluated 2023-08-30.

Conditions:
Inborn genetic diseases. Identifiers: MedGen C0950123, MeSH D030342.

Allele frequency attached by ClinVar (database versions not stated): gnomAD 0.00001; TOPMed 0.00001; gnomAD exomes 0.00003; ExAC 0.00005.
gnomAD v4.1: 41 of 1,609,720 alleles (0.0025%); highest among the groups gnomAD compares: East Asian, 0.0045%; no homozygotes.

Submissions (2):

Labcorp Genetics (formerly Invitae), Labcorp
Classification: Uncertain significance. Last evaluated: 2023-08-30. Review status: criteria provided, single submitter. Criteria: Invitae Variant Classification Sherloc (09022015). Collection method: clinical testing. Allele origin: germline.
Comment: In summary, the available evidence is currently insufficient to determine the role of this variant in disease. Therefore, it has been classified as a Variant of Uncertain Significance. An algorithm developed to predict the effect of missense changes on protein structure and function (PolyPhen-2) suggests that this variant is likely to be disruptive. ClinVar contains an entry for this variant (Variation ID: 2523111). This variant has not been reported in the literature in individuals affected with INPPL1-related conditions. This variant is present in population databases (rs753375974, gnomAD 0.01%). This sequence change replaces arginine, which is basic and polar, with tryptophan, which is neutral and slightly polar, at codon 350 of the INPPL1 protein (p.Arg350Trp).

Ambry Genetics
Classification: Uncertain significance for Inborn genetic diseases. Last evaluated: 2023-04-25. Review status: criteria provided, single submitter. Criteria: Ambry Variant Classification Scheme 2023. Collection method: clinical testing. Allele origin: germline.